The following is an entry in ClinVar:

ClinVar aggregate classification (germline): Likely benign (1 of 4 stars; one submission).

Allele frequency attached by ClinVar (database versions not stated): ExAC 0.00002; gnomAD exomes 0.00003; TOPMed 0.00003; gnomAD 0.00006.
gnomAD v4.1: 52 of 1,611,656 alleles (0.0032%); highest among the groups gnomAD compares: Non-Finnish European, 0.0042%; no homozygotes.

Submission:

CeGaT Center for Human Genetics Tuebingen
Classification: Likely benign. Last evaluated: 2022-04-01. Review status: criteria provided, single submitter. Criteria: CeGaT Center For Human Genetics Tuebingen Variant Classification Criteria Version 2. Collection method: clinical testing. Allele origin: germline. Affected: yes. Observed: 1 variant allele.
Comment: DMBT1: BP4, BP7

NM_001377530.1(DMBT1):c.5655T>C (p.Thr1885=)

Gene: DMBT1 (deleted in malignant brain tumors 1; plus strand). Cytogenetic location: 10q26.13.
Variant type: single nucleotide variant.
Coding change: c.5655T>C on transcript NM_001377530.1 (MANE Select); coding-DNA position 5655, T replaced by C.
Protein change: p.Thr1885=; no amino-acid change (threonine 1885 retained).
Molecular consequence: synonymous variant.
Genome position (GRCh38, 1-based): chr10:122,625,952, T>C. VCF-style: chr10-122625952-T-C. GRCh37 (hg19) VCF-style: chr10-124385468-T-C.
Other names: c.5268T>C, p.Thr1756= (NM_001320644.2, NM_007329.3); c.3384T>C, p.Thr1128= (NM_004406.3); c.5238T>C, p.Thr1746= (NM_017579.3).
Identifiers: ClinVar variation 2640939 (VCV002640939.24), dbSNP rs200090300, ClinGen allele CA5728003.